The following is an entry in ClinVar:

ClinVar aggregate classification (germline): Conflicting classifications of pathogenicity. Review status: criteria provided, conflicting classifications (1 of 4 stars). 8 submissions from 8 submitters: Uncertain significance (1); Likely benign (6). 1 of the submissions does not count toward it. Last evaluated 2026-02-04.

Conditions:
BLOC1S3-related disorder. Also called: BLOC1S3-related condition.
Inborn genetic diseases. Identifiers: MedGen C0950123, MeSH D030342.

Allele frequency attached by ClinVar (database versions not stated): 1000 Genomes Project 30x 0.00109; 1000 Genomes Project 0.00120; gnomAD exomes 0.00167; gnomAD 0.00193 and 0.00196; TOPMed 0.00199; ExAC 0.00424.
gnomAD v4.1: 3,896 of 1,543,998 alleles (0.25%); highest among the groups gnomAD compares: Middle Eastern, 0.65%; 8 homozygotes.

Submissions (8):

Labcorp Genetics (formerly Invitae), Labcorp
Classification: Likely benign. Last evaluated: 2026-02-04. Review status: criteria provided, single submitter. Criteria: Invitae Variant Classification Sherloc (09022015). Collection method: clinical testing. Allele origin: germline.

Genomic Medicine Center of Excellence, King Faisal Specialist Hospital and Research Centre
Classification: Likely benign. Last evaluated: 2025-08-18. Review status: criteria provided, single submitter. Criteria: ACMG Guidelines, 2015. Collection method: clinical testing. Allele origin: germline.

Blueprint Genetics
Classification: Likely benign. Last evaluated: 2024-11-27. Review status: criteria provided, single submitter. Criteria: ACMG Guidelines, 2015. Collection method: clinical testing. Allele origin: germline.

Mayo Clinic Laboratories, Mayo Clinic
Classification: Likely benign. Last evaluated: 2024-05-09. Review status: criteria provided, single submitter. Criteria: ACMG Guidelines, 2015. Collection method: clinical testing. Allele origin: germline. Observed: 6 variant alleles.
Comment: BS1, BP4, PM1

Ambry Genetics
Classification: Uncertain significance for Inborn genetic diseases. Last evaluated: 2021-10-21. Review status: criteria provided, single submitter. Criteria: Ambry Variant Classification Scheme 2023. Collection method: clinical testing. Allele origin: germline.

Center for Pediatric Genomic Medicine, Children's Mercy Hospital and Clinics
Classification: Likely benign. Last evaluated: 2016-10-10. Review status: criteria provided, single submitter. Criteria: ACMG Guidelines, 2015. Collection method: clinical testing. Allele origin: germline.
ClinVar note: Converted during submission from Likely Benign to Likely benign.

Eurofins Ntd Llc (ga)
Classification: Likely benign. Last evaluated: 2016-09-20. Review status: criteria provided, single submitter. Criteria: EGL Classification Definitions 2015. Collection method: clinical testing. Allele origin: germline. Observed: 1 variant allele, 1 heterozygote.

PreventionGenetics, part of Exact Sciences
Classification: Likely benign for BLOC1S3-related condition. Last evaluated: 2021-04-08. Review status: no assertion criteria provided. Collection method: clinical testing. Allele origin: germline. Not counted in ClinVar's aggregate classification.
Comment: This variant is classified as likely benign based on ACMG/AMP sequence variant interpretation guidelines (Richards et al. 2015 PMID: 25741868, with internal and published modifications).

NM_212550.5(BLOC1S3):c.478G>T (p.Val160Leu)

Gene: BLOC1S3 (biogenesis of lysosomal organelles complex 1 subunit 3; plus strand). Cytogenetic location: 19q13.32.
Variant type: single nucleotide variant.
Coding change: c.478G>T on transcript NM_212550.5 (MANE Select); coding-DNA position 478, G replaced by T.
Protein change: p.Val160Leu; replaces valine 160 with leucine.
Molecular consequence: missense variant.
Genome position (GRCh38, 1-based): chr19:45,179,774, G>T. VCF-style: chr19-45179774-G-T. GRCh37 (hg19) VCF-style: chr19-45683032-G-T.
Other names: p.Val160Leu; short protein forms V160L.
Identifiers: ClinVar variation 290104 (VCV000290104.23), dbSNP rs201502372, ClinGen allele CA9510261.